The following is an entry in ClinVar:

ClinVar aggregate classification (germline): Benign/Likely benign. Review status: criteria provided, multiple submitters, no conflicts (2 of 4 stars). 7 submissions from 7 submitters: Benign (1); Likely benign (6). Last evaluated 2025-10-08.

Conditions:
Cardiovascular phenotype. Identifiers: MedGen CN230736.
Hypertrophic cardiomyopathy. Also called: HYPERTROPHIC MYOCARDIOPATHY. Identifiers: Orphanet 217569, MedGen C0007194, MeSH D002312, MONDO:0005045, HP:0001639.
Cardiomyopathy (CMYO). Also called: Cardiomyopathies. Identifiers: Orphanet 167848, MedGen C0878544, MONDO:0004994, HP:0001638. Inheritance: Various modes of inheritance.

Allele frequency attached by ClinVar (database versions not stated): gnomAD exomes 0.00001 and 0.00003; ExAC 0.00002; gnomAD 0.00002; TOPMed 0.00002.
gnomAD v4.1: 43 of 1,610,184 alleles (0.0027%); highest among the groups gnomAD compares: Non-Finnish European, 0.0035%; no homozygotes.

Submissions (7):

Labcorp Genetics (formerly Invitae), Labcorp
Classification: Likely benign for Hypertrophic cardiomyopathy. Last evaluated: 2025-10-08. Review status: criteria provided, single submitter. Criteria: Invitae Variant Classification Sherloc (09022015). Collection method: clinical testing. Allele origin: germline.

All of Us Research Program, National Institutes of Health
Classification: Likely benign for Hypertrophic cardiomyopathy. Last evaluated: 2023-12-01. Review status: criteria provided, single submitter. Criteria: ACMG Guidelines, 2015. Collection method: clinical testing. Allele origin: germline. Inheritance: Autosomal dominant inheritance. Observed: 3 variant alleles, 3 heterozygotes.
Comment: This study involves interpretation of variants in research participants for the purpose of population health screening. Participant phenotype was not available at the time of variant classification. Additional details can be found in publication PMID: 35346344, PMCID: PMC8962531

Women's Health and Genetics/Laboratory Corporation of America, LabCorp
Classification: Likely benign. Last evaluated: 2019-08-29. Review status: criteria provided, single submitter. Criteria: LabCorp Variant Classification Summary - May 2015. Collection method: clinical testing. Allele origin: germline.

Color Diagnostics, LLC DBA Color Health
Classification: Likely benign for Cardiomyopathy. Last evaluated: 2019-05-20. Review status: criteria provided, single submitter. Criteria: ACMG Guidelines, 2015. Collection method: clinical testing. Allele origin: germline.

CHEO Genetics Diagnostic Laboratory, Children's Hospital of Eastern Ontario
Classification: Likely benign for Cardiomyopathy. Last evaluated: 2018-04-16. Review status: criteria provided, single submitter. Criteria: ACMG Guidelines, 2015. Collection method: clinical testing. Allele origin: germline.

Ambry Genetics
Classification: Likely benign for Cardiovascular phenotype. Last evaluated: 2016-09-14. Review status: criteria provided, single submitter. Criteria: Ambry Variant Classification Scheme 2023. Collection method: clinical testing. Allele origin: germline.

GeneDx
Classification: Benign. Last evaluated: 2015-03-03. Review status: criteria provided, single submitter. Criteria: GeneDx Variant Classification Process June 2021. Collection method: clinical testing. Allele origin: germline. Affected: yes.

NM_000256.3(MYBPC3):c.108A>G (p.Ala36=)

Gene: MYBPC3 (myosin binding protein C3; minus strand). Cytogenetic location: 11p11.2.
Variant type: single nucleotide variant.
Coding change: c.108A>G on transcript NM_000256.3 (MANE Select); coding-DNA position 108, A replaced by G.
Protein change: p.Ala36=; no amino-acid change (alanine 36 retained).
Molecular consequence: synonymous variant.
Genome position (GRCh38, 1-based): chr11:47,351,423, T>C on the plus strand (A>G on the coding strand, the complement: MYBPC3 is on the minus strand). VCF-style: chr11-47351423-T-C. GRCh37 (hg19) VCF-style: chr11-47372974-T-C.
Other names: c.108A>G, p.Ala36= (LRG_386t1).
Identifiers: ClinVar variation 454300 (VCV000454300.23), dbSNP rs754870909, ClinGen allele CA042347.